The following is an entry in ClinVar:

NM_023034.2(NSD3):c.771T>C (p.Val257=)

Genes: NSD3 (nuclear receptor binding SET domain protein 3; minus strand), LOC107133509 (NUP98-NSD3 recombination region; plus strand). Cytogenetic location: 8p11.23.
Variant type: single nucleotide variant.
Coding change: c.771T>C on transcript NM_023034.2 (MANE Select); coding-DNA position 771, T replaced by C.
Protein change: p.Val257=; no amino-acid change (valine 257 retained).
Molecular consequence: synonymous variant.
Genome position (GRCh38, 1-based): chr8:38,337,444, A>G on the plus strand (T>C on the coding strand, the complement: NSD3 is on the minus strand). VCF-style: chr8-38337444-A-G. GRCh37 (hg19) VCF-style: chr8-38194962-A-G.
Other names: c.771T>C, p.Val257= (NM_017778.3).
Identifiers: ClinVar variation 3034422 (VCV003034422.2), dbSNP rs761608024, ClinGen allele CA4717468.

ClinVar aggregate classification (germline): Likely benign (0 of 4 stars; one submission).

Conditions:
NSD3-related disorder. Also called: NSD3-related condition.

Allele frequency attached by ClinVar (database versions not stated): ExAC 0.00006; gnomAD 0.00007; gnomAD exomes 0.00009; TOPMed 0.00009.
gnomAD v4.1: 145 of 1,604,066 alleles (0.009%); highest among the groups gnomAD compares: Middle Eastern, 0.083%; no homozygotes.

Submission:

PreventionGenetics, part of Exact Sciences
Classification: Likely benign for NSD3-related condition. Last evaluated: 2019-06-07. Review status: no assertion criteria provided. Collection method: clinical testing. Allele origin: germline.
Comment: This variant is classified as likely benign based on ACMG/AMP sequence variant interpretation guidelines (Richards et al. 2015 PMID: 25741868, with internal and published modifications).